The following is an entry in ClinVar:

NM_033004.4(NLRP1):c.1718C>G (p.Ser573Cys)

Gene: NLRP1 (NLR family pyrin domain containing 1; minus strand). Cytogenetic location: 17p13.2.
Variant type: single nucleotide variant.
Coding change: c.1718C>G on transcript NM_033004.4 (MANE Select); coding-DNA position 1718, C replaced by G.
Protein change: p.Ser573Cys; replaces serine 573 with cysteine.
Molecular consequence: missense variant.
Genome position (GRCh38, 1-based): chr17:5,558,978, G>C on the plus strand (C>G on the coding strand, the complement: NLRP1 is on the minus strand). VCF-style: chr17-5558978-G-C. GRCh37 (hg19) VCF-style: chr17-5462298-G-C.
Other names: c.1718C>G (NM_033004.3); c.1718C>G, p.Ser573Cys (NM_001033053.3, NM_014922.5, NM_033006.4 and 1 more transcripts); short protein forms S573C.
Identifiers: ClinVar variation 1407599 (VCV001407599.11), dbSNP rs150220855, ClinGen allele CA8327335.

ClinVar aggregate classification (germline): Uncertain significance. Review status: criteria provided, multiple submitters, no conflicts (2 of 4 stars). 3 submissions from 3 submitters: Uncertain significance (2). 1 of the submissions does not count toward it. Last evaluated 2025-08-04.

Conditions:
NLRP1-related disorder. Also called: NLRP1-related condition.
Inborn genetic diseases. Identifiers: MedGen C0950123, MeSH D030342.

Allele frequency attached by ClinVar (database versions not stated): gnomAD exomes 0.00004 and 0.00010; ExAC 0.00016; 1000 Genomes Project 30x 0.00031; gnomAD 0.00035 and 0.00037; TOPMed 0.00035; 1000 Genomes Project 0.00040; ESP Exome Variant Server 0.00054.
gnomAD v4.1: 117 of 1,614,140 alleles (0.0072%); highest among the groups gnomAD compares: African/African-American, 0.11%; no homozygotes.

Submissions (3):

Labcorp Genetics (formerly Invitae), Labcorp
Classification: Uncertain significance. Last evaluated: 2025-08-04. Review status: criteria provided, single submitter. Criteria: Invitae Variant Classification Sherloc (09022015). Collection method: clinical testing. Allele origin: germline.
Comment: This sequence change replaces serine, which is neutral and polar, with cysteine, which is neutral and slightly polar, at codon 573 of the NLRP1 protein (p.Ser573Cys). This variant is present in population databases (rs150220855, gnomAD 0.1%). This variant has not been reported in the literature in individuals affected with NLRP1-related conditions. ClinVar contains an entry for this variant (Variation ID: 1407599). An algorithm developed to predict the effect of missense changes on protein structure and function (PolyPhen-2) suggests that this variant is likely to be disruptive. In summary, the available evidence is currently insufficient to determine the role of this variant in disease. Therefore, it has been classified as a Variant of Uncertain Significance.

Ambry Genetics
Classification: Uncertain significance for Inborn genetic diseases. Last evaluated: 2021-10-21. Review status: criteria provided, single submitter. Criteria: Ambry Variant Classification Scheme 2023. Collection method: clinical testing. Allele origin: germline.

PreventionGenetics, part of Exact Sciences
Classification: Uncertain significance for NLRP1-related condition. Last evaluated: 2023-11-08. Review status: no assertion criteria provided. Collection method: clinical testing. Allele origin: germline. Not counted in ClinVar's aggregate classification.
Comment: The NLRP1 c.1718C>G variant is predicted to result in the amino acid substitution p.Ser573Cys. To our knowledge, this variant has not been reported in the literature. This variant is reported in 0.11% of alleles in individuals of African descent in gnomAD. At this time, the clinical significance of this variant is uncertain due to the absence of conclusive functional and genetic evidence.